The following is an entry in ClinVar:

ClinVar aggregate classification (germline): Uncertain significance (1 of 4 stars; one submission).

Conditions:
Hajdu-Cheney syndrome (HJCYS). Also called: SERPENTINE FIBULA-POLYCYSTIC KIDNEY SYNDROME; ACROOSTEOLYSIS WITH OSTEOPOROSIS AND CHANGES IN SKULL AND MANDIBLE; Acroosteolysis dominant type. Identifiers: Orphanet 955, MedGen C0917715, MONDO:0007057, OMIM 102500.

Submission:

Labcorp Genetics (formerly Invitae), Labcorp
Classification: Uncertain significance for Hajdu-Cheney syndrome. Last evaluated: 2025-01-21. Review status: criteria provided, single submitter. Criteria: Invitae Variant Classification Sherloc (09022015). Collection method: clinical testing. Allele origin: germline.
Comment: This variant, c.6387_6389del, results in the deletion of 1 amino acid(s) of the NOTCH2 protein (p.Ser2129del), but otherwise preserves the integrity of the reading frame. This variant is not present in population databases (gnomAD no frequency). This variant has not been reported in the literature in individuals affected with NOTCH2-related conditions. Experimental studies and prediction algorithms are not available or were not evaluated, and the functional significance of this variant is currently unknown. Algorithms developed to predict the effect of sequence changes on RNA splicing suggest that this variant may create or strengthen a splice site. In summary, the available evidence is currently insufficient to determine the role of this variant in disease. Therefore, it has been classified as a Variant of Uncertain Significance.

NM_024408.4(NOTCH2):c.6384TAG[1] (p.Ser2129del)

Gene: NOTCH2 (notch receptor 2; minus strand). Cytogenetic location: 1p12.
Variant type: Microsatellite.
Coding change: c.6384TAG[1] on transcript NM_024408.4 (MANE Select); one copy of the 3-base unit TAG starting at c.6384; the reference has two copies in a row; one copy, 3 bases deleted.
Protein change: p.Ser2129del; deletes serine 2129.
Molecular consequence: inframe deletion.
Genome position (GRCh38, 1-based): chr1:119,916,333-119,916,335, CTA deleted on the plus strand (TAG on the coding strand, the reverse complement: NOTCH2 is on the minus strand); deleting any 3 consecutive bases within chr1:119,916,333-119,916,339 gives the same sequence; the position shown is the placement nearest the transcript's 3' end. VCF-style (leftmost placement, unchanged base first): chr1-119916332-CCTA-C. GRCh37 (hg19) VCF-style: chr1-120458955-CCTA-C.
Other names: short protein forms S2129del.
Identifiers: ClinVar variation 2846390 (VCV002846390.3), dbSNP rs2526107374, ClinGen allele CA2739275246.